The following is an entry in ClinVar:

ClinVar aggregate classification (germline): Uncertain significance (1 of 4 stars; one submission).

Submission:

Clinical Genomics Laboratory, Washington University in St. Louis
Classification: Uncertain significance. Last evaluated: 2025-05-20. Review status: criteria provided, single submitter. Criteria: ACMG Guidelines, 2015. Collection method: clinical testing. Allele origin: germline.
Comment: The ANGPT1 c.988C>T (p.Arg330Cys) variant, to our knowledge, has not been reported in the medical literature and is absent from the general population (gnomAD v.4.1.0), indicating it is not a common variant. This variant occurs in a beta sheet in the C terminal fibrinogen-like domain, which is involved in ligand activity. Computational predictors indicate that the variant is damaging, evidence that correlates with impact to angiopoietin-1 function. Due to limited information, the clinical significance of this variant is uncertain.

NM_001146.5(ANGPT1):c.988C>T (p.Arg330Cys)

Gene: ANGPT1 (angiopoietin 1; minus strand). Cytogenetic location: 8q23.1.
Variant type: single nucleotide variant.
Coding change: c.988C>T on transcript NM_001146.5 (MANE Select); coding-DNA position 988, C replaced by T.
Protein change: p.Arg330Cys; replaces arginine 330 with cysteine.
Molecular consequence: missense variant.
Genome position (GRCh38, 1-based): chr8:107,293,986, G>A on the plus strand (C>T on the coding strand, the complement: ANGPT1 is on the minus strand). VCF-style: chr8-107293986-G-A. GRCh37 (hg19) VCF-style: chr8-108306214-G-A.
Other names: c.985C>T, p.Arg329Cys (NM_001199859.3); c.388C>T, p.Arg130Cys (NM_001314051.2); short protein forms R130C, R329C, R330C.
Identifiers: ClinVar variation 4279786 (VCV004279786.1).